The following is an entry in ClinVar:

ClinVar aggregate classification (germline): Conflicting classifications of pathogenicity. Review status: criteria provided, conflicting classifications (1 of 4 stars). 2 submissions from 2 submitters: Likely pathogenic (1); Uncertain significance (1). Last evaluated 2022-05-04.

Conditions:
Ceroid lipofuscinosis, neuronal, 6B (Kufs type). Also called: Neuronal ceroid lipofuscinosis 4A. Identifiers: Orphanet 700477, MedGen C5561927, MONDO:0008768, OMIM 204300.
Neuronal ceroid lipofuscinosis. Also called: Neuronal Ceroid Lipofuscinoses. Identifiers: Orphanet 216, Orphanet 79263, MedGen C0027877, MONDO:0016295. Disease mechanism: loss of function.

Submissions (2):

Mendelics
Classification: Likely pathogenic for Ceroid lipofuscinosis, neuronal, 6B (Kufs type). Last evaluated: 2022-05-04. Review status: criteria provided, single submitter. Criteria: Mendelics Assertion Criteria 2019. Collection method: clinical testing. Allele origin: germline.

Labcorp Genetics (formerly Invitae), Labcorp
Classification: Uncertain significance for Neuronal ceroid lipofuscinosis. Last evaluated: 2021-01-15. Review status: criteria provided, single submitter. Criteria: Invitae Variant Classification Sherloc (09022015). Collection method: clinical testing. Allele origin: germline.
Comment: In summary, the available evidence is currently insufficient to determine the role of this variant in disease. Therefore, it has been classified as a Variant of Uncertain Significance. This sequence change replaces leucine with histidine at codon 169 of the CLN6 protein (p.Leu169His). The leucine residue is highly conserved and there is a moderate physicochemical difference between leucine and histidine. This variant is not present in population databases (ExAC no frequency). This variant has not been reported in the literature in individuals with CLN6-related conditions. Algorithms developed to predict the effect of missense changes on protein structure and function are either unavailable or do not agree on the potential impact of this missense change (SIFT: "Deleterious"; PolyPhen-2: "Probably Damaging"; Align-GVGD: "Class C0").

NM_017882.3(CLN6):c.506T>A (p.Leu169His)

Gene: CLN6 (CLN6 transmembrane ER protein; minus strand). Cytogenetic location: 15q23.
Variant type: single nucleotide variant.
Coding change: c.506T>A on transcript NM_017882.3 (MANE Select); coding-DNA position 506, T replaced by A.
Protein change: p.Leu169His; replaces leucine 169 with histidine.
Molecular consequence: missense variant.
Genome position (GRCh38, 1-based): chr15:68,211,299, A>T on the plus strand (T>A on the coding strand, the complement: CLN6 is on the minus strand). VCF-style: chr15-68211299-A-T. GRCh37 (hg19) VCF-style: chr15-68503637-A-T.
Other names: short protein forms L169H.
Identifiers: ClinVar variation 1015622 (VCV001015622.10), dbSNP rs1344658850, ClinGen allele CA392973187.
Genomic context (GRCh38, chr15:68,211,299, plus strand): 5'-TAGACAGATGGGCCCATCACTCACCACATGCAGTGACCCAGGTACTCATCATAATAGTAG[A>T]GCAGCTCAAAGGAGTCGATCTGAGGGAGGAACGGGCAGGGCAGAGTCGGGGGATGTCGAT-3'
Protein context (NP_060352.1, residues 159-179): PETLIDSFEL[Leu169His]YYYDEYLGHC